The following is an entry in ClinVar:

ClinVar aggregate classification (germline): Benign/Likely benign. Review status: criteria provided, multiple submitters, no conflicts (2 of 4 stars). 10 submissions from 10 submitters: Benign (1); Likely benign (6). 3 of the submissions do not count toward it. Last evaluated 2026-01-24.

Conditions:
Ehlers-Danlos syndrome (EDS). Identifiers: Orphanet 98249, MedGen C0013720, MONDO:0020066.
TNXB-related disorder. Also called: TNXB-related condition.
Cardiovascular phenotype. Identifiers: MedGen CN230736.

Allele frequency attached by ClinVar (database versions not stated): 1000 Genomes Project 30x 0.00047; 1000 Genomes Project 0.00060; TOPMed 0.00105; gnomAD exomes 0.00119 and 0.00195; ESP Exome Variant Server 0.00122; gnomAD 0.00123 and 0.00125; ExAC 0.00133.
gnomAD v4.1: 3,037 of 1,613,784 alleles (0.19%); highest among the groups gnomAD compares: Non-Finnish European, 0.23%; 9 homozygotes.

Submissions (10):

Labcorp Genetics (formerly Invitae), Labcorp
Classification: Likely benign. Last evaluated: 2026-01-24. Review status: criteria provided, single submitter. Criteria: Invitae Variant Classification Sherloc (09022015). Collection method: clinical testing. Allele origin: germline.

CeGaT Center for Human Genetics Tuebingen
Classification: Likely benign. Last evaluated: 2025-05-01. Review status: criteria provided, single submitter. Criteria: CeGaT Center For Human Genetics Tuebingen Variant Classification Criteria Version 2. Collection method: clinical testing. Allele origin: germline. Affected: yes. Observed: 8 variant alleles.
Comment: TNXB: BP4, BS2

Women's Health and Genetics/Laboratory Corporation of America, LabCorp
Classification: Likely benign. Last evaluated: 2023-07-13. Review status: criteria provided, single submitter. Criteria: LabCorp Variant Classification Summary - May 2015. Collection method: clinical testing. Allele origin: germline.
Comment: Variant summary: TNXB c.9308G>A (p.Arg3103Gln) results in a conservative amino acid change located in the Fibronectin type III domain (IPR003961) of the encoded protein sequence. Five of five in-silico tools predict a benign effect of the variant on protein function. The variant allele was found at a frequency of 0.0012 in 246468 control chromosomes in gnomAD. The observed variant frequency is approximately 1.06 fold of the estimated maximal expected allele frequency for a pathogenic variant in TNXB causing Ehlers-Danlos-like syndrome phenotype (0.0011), strongly suggesting that the variant is benign. To our knowledge, no occurrence of c.9308G>A in individuals affected with Ehlers-Danlos-like syndrome and no experimental evidence demonstrating its impact on protein function have been reported. Four submitters have cited clinical-significance assessments for this variant to ClinVar after 2014 (all likely benign). Based on the evidence outlined above, the variant was classified as likely benign.

Mayo Clinic Laboratories, Mayo Clinic
Classification: Benign. Last evaluated: 2023-03-01. Review status: criteria provided, single submitter. Criteria: ACMG Guidelines, 2015. Collection method: clinical testing. Allele origin: germline. Observed: 10 variant alleles.
Comment: BS1, BP4_strong

Genome Diagnostics Laboratory, The Hospital for Sick Children
Classification: Likely benign for Ehlers-Danlos syndrome. Last evaluated: 2022-02-23. Review status: criteria provided, single submitter. Criteria: ACMG Guidelines, 2015. Collection method: clinical testing. Allele origin: germline.

GeneDx
Classification: Likely benign. Last evaluated: 2021-02-26. Review status: criteria provided, single submitter. Criteria: GeneDx Variant Classification Process June 2021. Collection method: clinical testing. Allele origin: germline. Affected: yes.
Comment: Has not been previously published as pathogenic or benign to our knowledge; In silico analysis, which includes protein predictors and evolutionary conservation, supports that this variant does not alter protein structure/function

Ambry Genetics
Classification: Likely benign for Cardiovascular phenotype. Last evaluated: 2019-03-15. Review status: criteria provided, single submitter. Criteria: Ambry Variant Classification Scheme 2023. Collection method: clinical testing. Allele origin: germline.

PreventionGenetics, part of Exact Sciences
Classification: Likely benign for TNXB-related condition. Last evaluated: 2021-07-06. Review status: no assertion criteria provided. Collection method: clinical testing. Allele origin: germline. Not counted in ClinVar's aggregate classification.
Comment: This variant is classified as likely benign based on ACMG/AMP sequence variant interpretation guidelines (Richards et al. 2015 PMID: 25741868, with internal and published modifications).

Genome Diagnostics Laboratory, Amsterdam University Medical Center
Classification: Likely benign. Review status: no assertion criteria provided. Collection method: clinical testing. Allele origin: germline. Affected: yes. Study: VKGL Data-share Consensus. Not counted in ClinVar's aggregate classification.

Genome Diagnostics Laboratory, University Medical Center Utrecht
Classification: Likely benign. Review status: no assertion criteria provided. Collection method: clinical testing. Allele origin: germline. Affected: yes. Study: VKGL Data-share Consensus. Not counted in ClinVar's aggregate classification.

NM_001365276.2(TNXB):c.9314G>A (p.Arg3105Gln)

Gene: TNXB (tenascin XB; minus strand). Cytogenetic location: 6p21.33.
Variant type: single nucleotide variant.
Coding change: c.9314G>A on transcript NM_001365276.2 (MANE Select); coding-DNA position 9314, G replaced by A.
Protein change: p.Arg3105Gln; replaces arginine 3105 with glutamine.
Molecular consequence: missense variant.
Genome position (GRCh38, 1-based): chr6:32,050,123, C>T on the plus strand (G>A on the coding strand, the complement: TNXB is on the minus strand). VCF-style: chr6-32050123-C-T. GRCh37 (hg19) VCF-style: chr6-32017900-C-T.
Other names: p.Arg3103Gln; c.9308G>A, p.Arg3103Gln (NM_019105.8); short protein forms R3103Q, R3105Q.
Identifiers: ClinVar variation 623663 (VCV000623663.55), dbSNP rs202113575, ClinGen allele CA3733568.